The following is an entry in ClinVar:

ClinVar aggregate classification (germline): Uncertain significance (1 of 4 stars; one submission).

Conditions:
Charcot-Marie-Tooth disease axonal type 2F (CMT2F). Also called: CHARCOT-MARIE-TOOTH DISEASE, NEURONAL, TYPE 2F; Charcot-Marie-Tooth Neuropathy Type 2F. Identifiers: Orphanet 99940, MedGen C1847823, MONDO:0011687, OMIM 606595.

Submission:

Labcorp Genetics (formerly Invitae), Labcorp
Classification: Uncertain significance for Charcot-Marie-Tooth disease type 2F. Last evaluated: 2019-01-04. Review status: criteria provided, single submitter. Criteria: Invitae Variant Classification Sherloc (09022015). Collection method: clinical testing. Allele origin: germline.
Comment: This variant results in a copy number gain of the genomic region encompassing the full coding sequence of the HSPB1 gene. The boundaries of this event are unknown as they extend beyond the assayed region for this gene and therefore may encompass additional genes. As the precise location of this event is unknown, it may be in tandem or it may be located elsewhere in the genome. This variant has not been reported in the literature in individuals with HSPB1-related conditions. ClinVar contains an entry for this variant (Variation ID: 583803). In summary, the available evidence is currently insufficient to determine the role of this variant in disease. Therefore, it has been classified as a Variant of Uncertain Significance.

NC_000007.14:g.(?_76301442)_(76304183_?)dup

Gene: HSPB1 (heat shock protein family B (small) member 1; plus strand). Cytogenetic location: 7q11.23.
Variant type: Duplication.
Identifiers: ClinVar variation 831633 (VCV000831633.1).